The following is an entry in ClinVar:

NM_006767.4(LZTR1):c.384C>A (p.Ser128Arg)

Gene: LZTR1 (leucine zipper like post translational regulator 1; plus strand). Cytogenetic location: 22q11.21.
Variant type: single nucleotide variant.
Coding change: c.384C>A on transcript NM_006767.4 (MANE Select); coding-DNA position 384, C replaced by A.
Protein change: p.Ser128Arg; replaces serine 128 with arginine.
Molecular consequence: missense variant.
Genome position (GRCh38, 1-based): chr22:20,987,567, C>A. VCF-style: chr22-20987567-C-A. GRCh37 (hg19) VCF-style: chr22-21341856-C-A.
Other names: short protein forms S128R.
Identifiers: ClinVar variation 2797104 (VCV002797104.3), dbSNP rs756817158, ClinGen allele CA10118399.
Genomic context (GRCh38, chr22:20,987,567, plus strand): 5'-CTTTACCACTGGGACCCCACCGGCCCCCCGTTACCACCACTCGGCCGTCGTCTATGGGAG[C>A]AGCATGTTTGTCTTTGGTAAGCAGCCTCTTGCCTCCCAGGGGCTGTGTCGCCCCGAGGCC-3'
Protein context (NP_006758.2, residues 118-138): RYHHSAVVYG[Ser128Arg]SMFVFGGYTG

ClinVar aggregate classification (germline): Uncertain significance (1 of 4 stars; one submission).

Allele frequency attached by ClinVar (database versions not stated): ExAC 0.00001.

Submission:

Labcorp Genetics (formerly Invitae), Labcorp
Classification: Uncertain significance. Last evaluated: 2023-11-29. Review status: criteria provided, single submitter. Criteria: Invitae Variant Classification Sherloc (09022015). Collection method: clinical testing. Allele origin: germline.
Comment: This sequence change replaces serine, which is neutral and polar, with arginine, which is basic and polar, at codon 128 of the LZTR1 protein (p.Ser128Arg). This variant is not present in population databases (gnomAD no frequency). This variant has not been reported in the literature in individuals affected with LZTR1-related conditions. Advanced modeling of protein sequence and biophysical properties (such as structural, functional, and spatial information, amino acid conservation, physicochemical variation, residue mobility, and thermodynamic stability) performed at Invitae indicates that this missense variant is not expected to disrupt LZTR1 protein function with a negative predictive value of 80%. In summary, the available evidence is currently insufficient to determine the role of this variant in disease. Therefore, it has been classified as a Variant of Uncertain Significance.